The following is an entry in ClinVar:

NM_001375524.1(TRRAP):c.2366-5C>G

Gene: TRRAP (transformation/transcription domain associated protein; plus strand). Cytogenetic location: 7q22.1.
Variant type: single nucleotide variant.
Coding change: c.2366-5C>G on transcript NM_001375524.1 (MANE Select); 5 bases into the intron before coding-DNA position 2366, C replaced by G.
Molecular consequence: intron variant.
Genome position (GRCh38, 1-based): chr7:98,917,418, C>G. VCF-style: chr7-98917418-C-G. GRCh37 (hg19) VCF-style: chr7-98515041-C-G.
Other names: c.2366-5C>G (NM_001244580.2, NM_003496.4).
Identifiers: ClinVar variation 3030079 (VCV003030079.2), dbSNP rs2484734554, ClinGen allele CA2740097426.

ClinVar aggregate classification (germline): Likely benign (0 of 4 stars; one submission).

Conditions:
TRRAP-related disorder. Also called: TRRAP-related condition.

Submission:

PreventionGenetics, part of Exact Sciences
Classification: Likely benign for TRRAP-related condition. Last evaluated: 2021-04-26. Review status: no assertion criteria provided. Collection method: clinical testing. Allele origin: germline.
Comment: This variant is classified as likely benign based on ACMG/AMP sequence variant interpretation guidelines (Richards et al. 2015 PMID: 25741868, with internal and published modifications).